The following is an entry in ClinVar:

NM_033305.3(VPS13A):c.7822A>G (p.Thr2608Ala)

Gene: VPS13A (vacuolar protein sorting 13 homolog A; plus strand). Cytogenetic location: 9q21.2.
Variant type: single nucleotide variant.
Coding change: c.7822A>G on transcript NM_033305.3 (MANE Select); coding-DNA position 7822, A replaced by G.
Protein change: p.Thr2608Ala; replaces threonine 2608 with alanine.
Molecular consequence: missense variant.
Genome position (GRCh38, 1-based): chr9:77,357,707, A>G. VCF-style: chr9-77357707-A-G. GRCh37 (hg19) VCF-style: chr9-79972623-A-G.
Other names: c.7705A>G, p.Thr2569Ala (NM_001018037.2); c.7822A>G, p.Thr2608Ala (NM_001018038.3, NM_015186.4); short protein forms T2569A, T2608A.
Identifiers: ClinVar variation 1406688 (VCV001406688.5), dbSNP rs1298057938, ClinGen allele CA373858629.

ClinVar aggregate classification (germline): Uncertain significance (1 of 4 stars; one submission).

Allele frequency attached by ClinVar (database versions not stated): gnomAD exomes below 0.00001.
gnomAD v4.1: 2 of 1,614,006 alleles (0.00012%); highest among the groups gnomAD compares: Non-Finnish European, 0.00017%; no homozygotes.

Submission:

Labcorp Genetics (formerly Invitae), Labcorp
Classification: Uncertain significance. Last evaluated: 2022-09-07. Review status: criteria provided, single submitter. Criteria: Invitae Variant Classification Sherloc (09022015). Collection method: clinical testing. Allele origin: germline.
Comment: This sequence change replaces threonine, which is neutral and polar, with alanine, which is neutral and non-polar, at codon 2608 of the VPS13A protein (p.Thr2608Ala). This variant is not present in population databases (gnomAD no frequency). This variant has not been reported in the literature in individuals affected with VPS13A-related conditions. ClinVar contains an entry for this variant (Variation ID: 1406688). Algorithms developed to predict the effect of missense changes on protein structure and function (SIFT, PolyPhen-2, Align-GVGD) all suggest that this variant is likely to be tolerated. In summary, the available evidence is currently insufficient to determine the role of this variant in disease. Therefore, it has been classified as a Variant of Uncertain Significance.